The following is an entry in ClinVar:

NM_002951.5(RPN2):c.218C>T (p.Thr73Ile)

Gene: RPN2 (ribophorin II; plus strand). Cytogenetic location: 20q11.23.
Variant type: single nucleotide variant.
Coding change: c.218C>T on transcript NM_002951.5 (MANE Select); coding-DNA position 218, C replaced by T.
Protein change: p.Thr73Ile; replaces threonine 73 with isoleucine.
Molecular consequence: missense variant. On other transcripts: intron variant (2).
Genome position (GRCh38, 1-based): chr20:37,198,407, C>T. VCF-style: chr20-37198407-C-T. GRCh37 (hg19) VCF-style: chr20-35826810-C-T.
Other names: c.218C>T, p.Thr73Ile (NM_001324299.2, NM_001324301.2, NM_001324302.2 and 3 more transcripts); c.208-643C>T (NM_001135771.3); c.9-5478C>T (NM_001324306.2); short protein forms T73I.
Identifiers: ClinVar variation 2849993 (VCV002849993.3), dbSNP rs1437101674, ClinGen allele CA408840445.
Genomic context (GRCh38, chr20:37,198,407, plus strand): 5'-GGTTCACTACATGTGTCACCACTTAACATTGACTTTTCCCCACTGTGTAGAAAGCATGTA[C>T]CTACATCAGATCTAACCTTGATCCCAGCAATGTGGATTCCCTCTTCTACGCTGCCCAGGC-3'
Protein context (NP_002942.2, residues 63-83): AQVPDAKKAC[Thr73Ile]YIRSNLDPSN

ClinVar aggregate classification (germline): Uncertain significance (1 of 4 stars; one submission).

Conditions:
Congenital disorder of glycosylation (CDG). Also called: Carbohydrate-deficient glycoprotein syndrome; Congenital disorders of glycosylation. Identifiers: Orphanet 137, MedGen C0282577, MONDO:0015286.

Allele frequency attached by ClinVar (database versions not stated): gnomAD exomes below 0.00001; TOPMed below 0.00001; gnomAD 0.00001.
gnomAD v4.1: 2 of 1,614,088 alleles (0.00012%); highest among the groups gnomAD compares: Non-Finnish European, 0.00017%; no homozygotes.

Submission:

Labcorp Genetics (formerly Invitae), Labcorp
Classification: Uncertain significance for Congenital disorder of glycosylation. Last evaluated: 2023-10-13. Review status: criteria provided, single submitter. Criteria: Invitae Variant Classification Sherloc (09022015). Collection method: clinical testing. Allele origin: germline.
Comment: This sequence change replaces threonine, which is neutral and polar, with isoleucine, which is neutral and non-polar, at codon 73 of the RPN2 protein (p.Thr73Ile). This variant is present in population databases (no rsID available, gnomAD 0.0009%). This variant has not been reported in the literature in individuals affected with RPN2-related conditions. An algorithm developed to predict the effect of missense changes on protein structure and function (PolyPhen-2) suggests that this variant is likely to be tolerated. In summary, the available evidence is currently insufficient to determine the role of this variant in disease. Therefore, it has been classified as a Variant of Uncertain Significance.